The following is an entry in ClinVar:

ClinVar aggregate classification (germline): Uncertain significance. Review status: criteria provided, multiple submitters, no conflicts (2 of 4 stars). 2 submissions from 2 submitters: Uncertain significance (2). Last evaluated 2025-03-31.

Conditions:
Hereditary cancer-predisposing syndrome. Also called: Tumor predisposition; Hereditary Cancer Syndrome; Hereditary neoplastic syndrome; Neoplastic Syndromes, Hereditary. Identifiers: Orphanet 140162, MedGen C0027672, MeSH D009386, MONDO:0015356.

Submissions (2):

Ambry Genetics
Classification: Uncertain significance for Hereditary cancer-predisposing syndrome. Last evaluated: 2025-03-31. Review status: criteria provided, single submitter. Criteria: Ambry Variant Classification Scheme 2023. Collection method: clinical testing. Allele origin: germline.
Comment: The p.I386T variant (also known as c.1157T>C), located in coding exon 7 of the MSH3 gene, results from a T to C substitution at nucleotide position 1157. The isoleucine at codon 386 is replaced by threonine, an amino acid with similar properties. This amino acid position is conserved. In addition, the in silico prediction for this alteration is inconclusive. Based on the available evidence, the clinical significance of this variant remains unclear.

Labcorp Genetics (formerly Invitae), Labcorp
Classification: Uncertain significance. Last evaluated: 2022-11-09. Review status: criteria provided, single submitter. Criteria: Invitae Variant Classification Sherloc (09022015). Collection method: clinical testing. Allele origin: germline.
Comment: In summary, the available evidence is currently insufficient to determine the role of this variant in disease. Therefore, it has been classified as a Variant of Uncertain Significance. Algorithms developed to predict the effect of missense changes on protein structure and function are either unavailable or do not agree on the potential impact of this missense change (SIFT: "Deleterious"; PolyPhen-2: "Benign"; Align-GVGD: "Class C0"). This variant has not been reported in the literature in individuals affected with MSH3-related conditions. This variant is not present in population databases (gnomAD no frequency). This sequence change replaces isoleucine, which is neutral and non-polar, with threonine, which is neutral and polar, at codon 386 of the MSH3 protein (p.Ile386Thr).

NM_002439.5(MSH3):c.1157T>C (p.Ile386Thr)

Gene: MSH3 (mutS homolog 3; plus strand). Cytogenetic location: 5q14.1.
Variant type: single nucleotide variant.
Coding change: c.1157T>C on transcript NM_002439.5 (MANE Select); coding-DNA position 1157, T replaced by C.
Protein change: p.Ile386Thr; replaces isoleucine 386 with threonine.
Molecular consequence: missense variant.
Genome position (GRCh38, 1-based): chr5:80,675,112, T>C. VCF-style: chr5-80675112-T-C. GRCh37 (hg19) VCF-style: chr5-79970931-T-C.
Other names: c.1157T>C (NM_002439.3); short protein forms I386T.
Identifiers: ClinVar variation 2811101 (VCV002811101.2), dbSNP rs2546724425, ClinGen allele CA360268363.
Genomic context (GRCh38, chr5:80,675,112, plus strand): 5'-GCTATCTTCTGTGCATCTCTGAAAATAAGGAAAATGTTAGGGACAAAAAAAAGGGCAACA[T>C]TTTTATTGGCATTGTGGTAAGTACTTTGCAGGTGAGGAACAAATGTTAGATGTTCATGGT-3'
Protein context (NP_002430.3, residues 376-396): ENVRDKKKGN[Ile386Thr]FIGIVGVQPA